The following is an entry in ClinVar:

ClinVar aggregate classification (germline): Uncertain significance. Review status: criteria provided, multiple submitters, no conflicts (2 of 4 stars). 2 submissions from 2 submitters: Uncertain significance (2). Last evaluated 2024-10-03.

Conditions:
Cardiovascular phenotype. Identifiers: MedGen CN230736.
Dilated cardiomyopathy 1CC (CMD1CC). Identifiers: Orphanet 154, MedGen C2751084, MONDO:0013147, OMIM 613122.
Hypertrophic cardiomyopathy 20. Identifiers: MedGen C3151267, MONDO:0013477, OMIM 613876.

Allele frequency attached by ClinVar (database versions not stated): gnomAD exomes below 0.00001; ExAC 0.00001; TOPMed 0.00001.

Submissions (2):

Ambry Genetics
Classification: Uncertain significance for Cardiovascular phenotype. Last evaluated: 2024-10-03. Review status: criteria provided, single submitter. Criteria: Ambry Variant Classification Scheme 2023. Collection method: clinical testing. Allele origin: germline.

Labcorp Genetics (formerly Invitae), Labcorp
Classification: Uncertain significance for Dilated cardiomyopathy 1CC; Hypertrophic cardiomyopathy 20. Last evaluated: 2021-04-14. Review status: criteria provided, single submitter. Criteria: Invitae Variant Classification Sherloc (09022015). Collection method: clinical testing. Allele origin: germline.
Comment: In summary, the available evidence is currently insufficient to determine the role of this variant in disease. Therefore, it has been classified as a Variant of Uncertain Significance. Algorithms developed to predict the effect of missense changes on protein structure and function (SIFT, PolyPhen-2, Align-GVGD) all suggest that this variant is likely to be tolerated, but these predictions have not been confirmed by published functional studies and their clinical significance is uncertain. This variant has not been reported in the literature in individuals with NEXN-related conditions. This variant is present in population databases (rs779417583, ExAC 0.01%). This sequence change replaces histidine with asparagine at codon 399 of the NEXN protein (p.His399Asn). The histidine residue is weakly conserved and there is a small physicochemical difference between histidine and asparagine.

NM_144573.4(NEXN):c.1195C>A (p.His399Asn)

Gene: NEXN (nexilin F-actin binding protein; plus strand). Cytogenetic location: 1p31.1.
Variant type: single nucleotide variant.
Coding change: c.1195C>A on transcript NM_144573.4 (MANE Select); coding-DNA position 1195, C replaced by A.
Protein change: p.His399Asn; replaces histidine 399 with asparagine.
Molecular consequence: missense variant.
Genome position (GRCh38, 1-based): chr1:77,933,423, C>A. VCF-style: chr1-77933423-C-A. GRCh37 (hg19) VCF-style: chr1-78399108-C-A.
Other names: c.1003C>A, p.His335Asn (NM_001172309.2); c.1195C>A (NM_144573.3); short protein forms H335N, H399N.
Identifiers: ClinVar variation 1345380 (VCV001345380.9), dbSNP rs779417583, ClinGen allele CA918817.